The following is an entry in ClinVar:

NM_139076.3(ABRAXAS1):c.64C>A (p.His22Asn)

Genes: ABRAXAS1 (abraxas 1, BRCA1 A complex subunit; minus strand), LOC129992784 (ATAC-STARR-seq lymphoblastoid silent region 15542; plus strand). Cytogenetic location: 4q21.23.
Variant type: single nucleotide variant.
Coding change: c.64C>A on transcript NM_139076.3 (MANE Select); coding-DNA position 64, C replaced by A.
Protein change: p.His22Asn; replaces histidine 22 with asparagine.
Molecular consequence: missense variant. On other transcripts: 5 prime UTR variant (1).
Genome position (GRCh38, 1-based): chr4:83,485,009, G>T on the plus strand (C>A on the coding strand, the complement: ABRAXAS1 is on the minus strand). VCF-style: chr4-83485009-G-T. GRCh37 (hg19) VCF-style: chr4-84406162-G-T.
Other names: c.-197C>A (NM_001345962.2); short protein forms H22N.
Identifiers: ClinVar variation 949484 (VCV000949484.11), dbSNP rs756786001, ClinGen allele CA2990675.

ClinVar aggregate classification (germline): Uncertain significance. Review status: criteria provided, multiple submitters, no conflicts (2 of 4 stars). 2 submissions from 2 submitters: Uncertain significance (2). Last evaluated 2025-11-10.

gnomAD v4.1: 4 of 1,594,556 alleles (0.00025%); highest among the groups gnomAD compares: Admixed American, 0.0051%; no homozygotes.

Submissions (2):

Labcorp Genetics (formerly Invitae), Labcorp
Classification: Uncertain significance. Last evaluated: 2025-11-10. Review status: criteria provided, single submitter. Criteria: Invitae Variant Classification Sherloc (09022015). Collection method: clinical testing. Allele origin: germline.
Comment: This sequence change replaces histidine, which is basic and polar, with asparagine, which is neutral and polar, at codon 22 of the ABRAXAS1 protein (p.His22Asn). The frequency data for this variant in the population databases is considered unreliable, as metrics indicate poor data quality at this position in the gnomAD database. This variant has not been reported in the literature in individuals affected with ABRAXAS1-related conditions. ClinVar contains an entry for this variant (Variation ID: 949484). Invitae Evidence Modeling of protein sequence and biophysical properties (such as structural, functional, and spatial information, amino acid conservation, physicochemical variation, residue mobility, and thermodynamic stability) indicates that this missense variant is not expected to disrupt ABRAXAS1 protein function with a negative predictive value of 80%. In summary, the available evidence is currently insufficient to determine the role of this variant in disease. Therefore, it has been classified as a Variant of Uncertain Significance.

Ambry Genetics
Classification: Uncertain significance. Last evaluated: 2025-08-11. Review status: criteria provided, single submitter. Criteria: Ambry Variant Classification Scheme 2023. Collection method: clinical testing. Allele origin: germline.